The following is an entry in ClinVar:

ClinVar aggregate classification (germline): Uncertain significance. Review status: criteria provided, multiple submitters, no conflicts (2 of 4 stars). 2 submissions from 2 submitters: Uncertain significance (2). Last evaluated 2025-01-30.

Conditions:
Inborn genetic diseases. Identifiers: MedGen C0950123, MeSH D030342.

Allele frequency attached by ClinVar (database versions not stated): ExAC 0.00008; ESP Exome Variant Server 0.00062.
gnomAD v4.1: 83 of 1,613,370 alleles (0.0051%); highest among the groups gnomAD compares: African/African-American, 0.1%; 1 homozygote.

Submissions (2):

Labcorp Genetics (formerly Invitae), Labcorp
Classification: Uncertain significance. Last evaluated: 2025-01-30. Review status: criteria provided, single submitter. Criteria: Invitae Variant Classification Sherloc (09022015). Collection method: clinical testing. Allele origin: germline.
Comment: This sequence change replaces glycine, which is neutral and non-polar, with arginine, which is basic and polar, at codon 1288 of the FOCAD protein (p.Gly1288Arg). This variant is present in population databases (rs142840404, gnomAD 0.1%), and has an allele count higher than expected for a pathogenic variant. This variant has not been reported in the literature in individuals affected with FOCAD-related conditions. ClinVar contains an entry for this variant (Variation ID: 3096184). Experimental studies and prediction algorithms are not available or were not evaluated, and the functional significance of this variant is currently unknown. In summary, the available evidence is currently insufficient to determine the role of this variant in disease. Therefore, it has been classified as a Variant of Uncertain Significance.

Ambry Genetics
Classification: Uncertain significance for Inborn genetic diseases. Last evaluated: 2024-03-01. Review status: criteria provided, single submitter. Criteria: Ambry Variant Classification Scheme 2023. Collection method: clinical testing. Allele origin: germline.

NM_001375567.1(FOCAD):c.3862G>A (p.Gly1288Arg)

Gene: FOCAD (focadhesin; plus strand). Cytogenetic location: 9p21.3.
Variant type: single nucleotide variant.
Coding change: c.3862G>A on transcript NM_001375567.1 (MANE Select); coding-DNA position 3862, G replaced by A.
Protein change: p.Gly1288Arg; replaces glycine 1288 with arginine.
Molecular consequence: missense variant.
Genome position (GRCh38, 1-based): chr9:20,948,914, G>A. VCF-style: chr9-20948914-G-A. GRCh37 (hg19) VCF-style: chr9-20948913-G-A.
Other names: c.3757G>A, p.Gly1253Arg (NM_001375568.1, NM_001375570.1); c.3862G>A, p.Gly1288Arg (NM_017794.5); short protein forms G1253R, G1288R.
Identifiers: ClinVar variation 3096184 (VCV003096184.2), dbSNP rs142840404, ClinGen allele CA5007717.